The following is an entry in ClinVar:

ClinVar aggregate classification (germline): Uncertain significance (1 of 4 stars; one submission).

Conditions:
Baller-Gerold syndrome (BGS). Also called: CRANIOSYNOSTOSIS WITH RADIAL DEFECTS. Identifiers: Orphanet 1225, MedGen C0265308, MONDO:0009039, OMIM 218600.

Submission:

Labcorp Genetics (formerly Invitae), Labcorp
Classification: Uncertain significance for Baller-Gerold syndrome. Last evaluated: 2022-05-27. Review status: criteria provided, single submitter. Criteria: Invitae Variant Classification Sherloc (09022015). Collection method: clinical testing. Allele origin: germline.
Comment: Algorithms developed to predict the effect of sequence changes on RNA splicing suggest that this variant may create or strengthen a splice site. In summary, the available evidence is currently insufficient to determine the role of this variant in disease. Therefore, it has been classified as a Variant of Uncertain Significance. This variant has not been reported in the literature in individuals affected with RECQL4-related conditions. This sequence change replaces proline, which is neutral and non-polar, with alanine, which is neutral and non-polar, at codon 441 of the RECQL4 protein (p.Pro441Ala). This variant is not present in population databases (gnomAD no frequency).

NM_004260.4(RECQL4):c.1321C>G (p.Pro441Ala)

Gene: RECQL4 (RecQ like helicase 4; minus strand). Cytogenetic location: 8q24.3.
Variant type: single nucleotide variant.
Coding change: c.1321C>G on transcript NM_004260.4 (MANE Select); coding-DNA position 1321, C replaced by G.
Protein change: p.Pro441Ala; replaces proline 441 with alanine.
Molecular consequence: missense variant.
Genome position (GRCh38, 1-based): chr8:144,515,395, G>C on the plus strand (C>G on the coding strand, the complement: RECQL4 is on the minus strand). VCF-style: chr8-144515395-G-C. GRCh37 (hg19) VCF-style: chr8-145740779-G-C.
Other names: c.1225C>G, p.Pro409Ala (NM_001413017.1, NM_001413020.1); c.1321C>G, p.Pro441Ala (NM_001413018.1, NM_001413019.1, NM_001413033.1 and 2 more transcripts); c.250C>G, p.Pro84Ala (NM_001413021.1, NM_001413022.1, NM_001413023.1 and 8 more transcripts); c.1192C>G, p.Pro398Ala (NM_001413025.1); c.184C>G, p.Pro62Ala (NM_001413027.1, NM_001413030.1, NM_001413031.1 and 2 more transcripts); c.970C>G, p.Pro324Ala (NM_001413029.1); c.-147C>G (NM_001413043.1); short protein forms P324A, P441A, P84A, P62A, P398A, P409A.
Identifiers: ClinVar variation 1999253 (VCV001999253.4), dbSNP rs557142414, ClinGen allele CA372685689.